The following is an entry in ClinVar:

NM_000178.4(GSS):c.626T>C (p.Ile209Thr)

Gene: GSS (glutathione synthetase; minus strand). Cytogenetic location: 20q11.22.
Variant type: single nucleotide variant.
Coding change: c.626T>C on transcript NM_000178.4 (MANE Select); coding-DNA position 626, T replaced by C.
Protein change: p.Ile209Thr; replaces isoleucine 209 with threonine.
Molecular consequence: missense variant.
Genome position (GRCh38, 1-based): chr20:34,937,006, A>G on the plus strand (T>C on the coding strand, the complement: GSS is on the minus strand). VCF-style: chr20-34937006-A-G. GRCh37 (hg19) VCF-style: chr20-33524809-A-G.
Other names: c.626T>C (NM_000178.2); c.626T>C, p.Ile209Thr (NM_001322494.1, NM_001322495.1); short protein forms I209T.
Identifiers: ClinVar variation 1984476 (VCV001984476.2), dbSNP rs1185754052, ClinGen allele CA408702892.

ClinVar aggregate classification (germline): Uncertain significance. Review status: criteria provided, multiple submitters, no conflicts (2 of 4 stars). 2 submissions from 2 submitters: Uncertain significance (2). Last evaluated 2024-03-30.

Conditions:
Inherited glutathione synthetase deficiency. Identifiers: Orphanet 32, MedGen C5979912, MONDO:0017909.
Inborn genetic diseases. Identifiers: MedGen C0950123, MeSH D030342.

Allele frequency attached by ClinVar (database versions not stated): gnomAD exomes below 0.00001; TOPMed below 0.00001.

Submissions (2):

Ambry Genetics
Classification: Uncertain significance for Inborn genetic diseases. Last evaluated: 2024-03-30. Review status: criteria provided, single submitter. Criteria: Ambry Variant Classification Scheme 2023. Collection method: clinical testing. Allele origin: germline.
Comment: The p.I209T variant (also known as c.626T>C), located in coding exon 6 of the GSS gene, results from a T to C substitution at nucleotide position 626. The isoleucine at codon 209 is replaced by threonine, an amino acid with similar properties. This amino acid position is conserved. In addition, this alteration is predicted to be deleterious by in silico analysis. Based on the available evidence, the clinical significance of this alteration remains unclear.

Labcorp Genetics (formerly Invitae), Labcorp
Classification: Uncertain significance for Glutathione synthetase deficiency with 5-oxoprolinuria. Last evaluated: 2022-06-20. Review status: criteria provided, single submitter. Criteria: Invitae Variant Classification Sherloc (09022015). Collection method: clinical testing. Allele origin: germline.
Comment: This sequence change replaces isoleucine, which is neutral and non-polar, with threonine, which is neutral and polar, at codon 209 of the GSS protein (p.Ile209Thr). This variant is not present in population databases (gnomAD no frequency). This variant has not been reported in the literature in individuals affected with GSS-related conditions. Algorithms developed to predict the effect of missense changes on protein structure and function are either unavailable or do not agree on the potential impact of this missense change (SIFT: "Deleterious"; PolyPhen-2: "Benign"; Align-GVGD: "Class C0"). In summary, the available evidence is currently insufficient to determine the role of this variant in disease. Therefore, it has been classified as a Variant of Uncertain Significance.